The following is an entry in ClinVar:

ClinVar aggregate classification (germline): Uncertain significance (1 of 4 stars; one submission).

Allele frequency attached by ClinVar (database versions not stated): TOPMed 0.00001 and below 0.00001; gnomAD 0.00001.
gnomAD v4.1: 1 of 152,304 alleles (0.00066%); highest among the groups gnomAD compares: Non-Finnish European, 0.0015%; no homozygotes.

Submission:

GeneDx
Classification: Uncertain significance. Last evaluated: 2015-10-21. Review status: criteria provided, single submitter. Criteria: GeneDx Variant Classification (06012015). Collection method: clinical testing. Allele origin: germline. Affected: yes.
Comment: This variant is denoted FANCC c.-81C>G, and describes a nucleotide substitution 81 base pairs upstream of the FANCC ATG translational start site in the 5' untranslated region (UTR). The surrounding sequence, with the base that is substituted in braces, is CCAC[C/G]CGGT. This variant does not appear to affect the start codon or the Kozak translational consensus sequence. This variant was not observed in 1000 Genomes database, suggesting it is not a common benign variant in these populations, and the base is conserved across mammals. At this time, we consider FANCC c.-81C>G to be a variant of uncertain significance.

NM_000136.3(FANCC):c.-81C>G

Gene: FANCC (FA complementation group C; minus strand). Cytogenetic location: 9q22.32.
Variant type: single nucleotide variant.
Coding change: c.-81C>G on transcript NM_000136.3 (MANE Select); 81 bases upstream of the start codon, C replaced by G.
Molecular consequence: 5 prime UTR variant.
Genome position (GRCh38, 1-based): chr9:95,317,528, G>C on the plus strand (C>G on the coding strand, the complement: FANCC is on the minus strand). VCF-style: chr9-95317528-G-C. GRCh37 (hg19) VCF-style: chr9-98079810-G-C.
Other names: c.-81C>G (NM_001243744.2).
Identifiers: ClinVar variation 234568 (VCV000234568.2), dbSNP rs876661090, ClinGen allele CA10577384.
Genomic context (GRCh38, chr9:95,317,528, plus strand): 5'-CGGCCAGACCCCCGAGGGAAGCCTCCGCCCTCGCTGCGTTCTGCGGCCTGCCGCTTACCG[G>C]GTGGTCCTCGCGGGAGCTGCTTCAGCAGTTTGGGCAGTGGCGGAAAGGAAGCCACCGCCC-3'